The following is an entry in ClinVar:

ClinVar aggregate classification (germline): Pathogenic (1 of 4 stars; one submission).

Conditions:
Joubert syndrome. Also called: CEREBELLOPARENCHYMAL DISORDER IV; JOUBERT-BOLTSHAUSER SYNDROME; Familial aplasia of the vermis. Identifiers: Orphanet 475, MedGen C5979921, MONDO:0018772.

Allele frequency attached by ClinVar (database versions not stated): gnomAD 0.00001.

Submission:

Labcorp Genetics (formerly Invitae), Labcorp
Classification: Pathogenic for Joubert syndrome. Last evaluated: 2023-02-03. Review status: criteria provided, single submitter. Criteria: Invitae Variant Classification Sherloc (09022015). Collection method: clinical testing. Allele origin: germline.
Comment: For these reasons, this variant has been classified as Pathogenic. This variant has not been reported in the literature in individuals affected with AHI1-related conditions. This variant is not present in population databases (gnomAD no frequency). This sequence change creates a premature translational stop signal (p.Glu797*) in the AHI1 gene. It is expected to result in an absent or disrupted protein product. Loss-of-function variants in AHI1 are known to be pathogenic (PMID: 15322546, 16453322, 28442542, 29186038).

Literature cited by the submitters: PubMed 15322546; PubMed 16453322; PubMed 28442542; PubMed 29186038.

NM_001134831.2(AHI1):c.2388dup (p.Glu797Ter)

Gene: AHI1 (Abelson helper integration site 1; minus strand). Cytogenetic location: 6q23.3.
Variant type: Duplication.
Coding change: c.2388dup on transcript NM_001134831.2 (MANE Select); coding-DNA position 2388, one base duplicated (T; older notation c.2388dupT).
Protein change: p.Glu797Ter; replaces glutamic acid 797 with a stop codon.
Molecular consequence: nonsense.
Genome position (GRCh38, 1-based): chr6:135,429,986, A duplicated on the plus strand (T on the coding strand, the reverse complement: AHI1 is on the minus strand). VCF-style (leftmost placement, unchanged base first): chr6-135429985-C-CA. GRCh37 (hg19) VCF-style: chr6-135751123-C-CA.
Other names: c.2388dup, p.Glu797Ter (NM_001134830.2, NM_001134832.2, NM_001350503.2 and 2 more transcripts); short protein forms E797*.
Identifiers: ClinVar variation 2834325 (VCV002834325.3), dbSNP rs1784418088, ClinGen allele CA1094810265.
Genomic context (GRCh38, chr6:135,429,985, plus strand): 5'-TTAACAAACGTTTTCCATTGGGATGAATCTCCAAATAACTTATTGGAATTCCCTTAAACT[C>CA]AGTTTCTTTAATTTCCTAAAATGATTAAAAAAAATACTACTACTGAAAAGTTTGTCTAAT-3'